The following is an entry in ClinVar:

NM_006493.4(CLN5):c.242C>A (p.Ser81Ter)

Gene: CLN5 (CLN5 lysosomal BMP synthase; plus strand). Cytogenetic location: 13q22.3.
Variant type: single nucleotide variant.
Coding change: c.242C>A on transcript NM_006493.4 (MANE Select); coding-DNA position 242, C replaced by A.
Protein change: p.Ser81Ter; replaces serine 81 with a stop codon.
Molecular consequence: nonsense.
Genome position (GRCh38, 1-based): chr13:76,995,131, C>A. VCF-style: chr13-76995131-C-A. GRCh37 (hg19) VCF-style: chr13-77569266-C-A.
Other names: c.242C>A, p.Ser81Ter (NM_001366624.2); short protein forms S130*, S81*.
Identifiers: ClinVar variation 2103526 (VCV002103526.4), dbSNP rs1290682648, ClinGen allele CA388307951.
Genomic context (GRCh38, chr13:76,995,131, plus strand): 5'-ACTTCCGTCCAAAACCTGATCCTTATTGTCAAGCTAAGTATACTTTCTGTCCAACTGGCT[C>A]ACCTATCCCAGTTATGGAGGGTGATGATGACATTGAAGTTTTTCGATTACAAGCCCCAGT-3'

ClinVar aggregate classification (germline): Pathogenic (1 of 4 stars; one submission).

Conditions:
Neuronal ceroid lipofuscinosis. Also called: Neuronal Ceroid Lipofuscinoses. Identifiers: Orphanet 216, Orphanet 79263, MedGen C0027877, MONDO:0016295. Disease mechanism: loss of function.

Submission:

Labcorp Genetics (formerly Invitae), Labcorp
Classification: Pathogenic for Neuronal ceroid lipofuscinosis. Last evaluated: 2022-02-25. Review status: criteria provided, single submitter. Criteria: Invitae Variant Classification Sherloc (09022015). Collection method: clinical testing. Allele origin: germline.
Comment: For these reasons, this variant has been classified as Pathogenic. This variant has not been reported in the literature in individuals affected with CLN5-related conditions. This variant is not present in population databases (gnomAD no frequency). This sequence change creates a premature translational stop signal (p.Ser130*) in the CLN5 gene. It is expected to result in an absent or disrupted protein product. Loss-of-function variants in CLN5 are known to be pathogenic (PMID: 20157158).

Literature cited by the submitters: PubMed 20157158.